The following is an entry in ClinVar:

ClinVar aggregate classification (germline): Uncertain significance (1 of 4 stars; one submission).

Conditions:
Inborn genetic diseases. Identifiers: MedGen C0950123, MeSH D030342.

Submission:

Ambry Genetics
Classification: Uncertain significance for Inborn genetic diseases. Last evaluated: 2019-03-02. Review status: criteria provided, single submitter. Criteria: Ambry Variant Classification Scheme 2023. Collection method: clinical testing. Allele origin: germline.
Comment: The p.D326A variant (also known as c.977A>C), located in coding exon 4 of the FGD1 gene, results from an A to C substitution at nucleotide position 977. The aspartic acid at codon 326 is replaced by alanine, an amino acid with dissimilar properties. This amino acid position is not well conserved in available vertebrate species. In addition, this alteration is predicted to be tolerated by in silico analysis. Since supporting evidence is limited at this time, the clinical significance of this alteration remains unclear.

NM_004463.3(FGD1):c.977A>C (p.Asp326Ala)

Gene: FGD1 (FYVE, RhoGEF and PH domain containing 1; minus strand). Cytogenetic location: Xp11.22.
Variant type: single nucleotide variant.
Coding change: c.977A>C on transcript NM_004463.3 (MANE Select); coding-DNA position 977, A replaced by C.
Protein change: p.Asp326Ala; replaces aspartic acid 326 with alanine.
Molecular consequence: missense variant.
Genome position (GRCh38, 1-based): chrX:54,470,140, T>G on the plus strand (A>C on the coding strand, the complement: FGD1 is on the minus strand). VCF-style: chrX-54470140-T-G. GRCh37 (hg19) VCF-style: chrX-54496573-T-G.
Other names: short protein forms D326A.
Identifiers: ClinVar variation 1768154 (VCV001768154.2), dbSNP rs2522714770, ClinGen allele CA413247976.